The following is an entry in ClinVar:

NM_177438.3(DICER1):c.172C>G (p.His58Asp)

Gene: DICER1 (dicer 1, ribonuclease III; minus strand). Cytogenetic location: 14q32.13.
Variant type: single nucleotide variant.
Coding change: c.172C>G on transcript NM_177438.3 (MANE Select); coding-DNA position 172, C replaced by G.
Protein change: p.His58Asp; replaces histidine 58 with aspartic acid.
Molecular consequence: missense variant.
Genome position (GRCh38, 1-based): chr14:95,132,650, G>C on the plus strand (C>G on the coding strand, the complement: DICER1 is on the minus strand). VCF-style: chr14-95132650-G-C. GRCh37 (hg19) VCF-style: chr14-95598987-G-C.
Other names: c.172C>G, p.His58Asp (NM_001195573.1, NM_001271282.3, NM_001291628.2 and 1 more transcripts); short protein forms H58D.
Identifiers: ClinVar variation 477054 (VCV000477054.12), dbSNP rs1555376409, ClinGen allele CA390890075.

ClinVar aggregate classification (germline): Uncertain significance. Review status: criteria provided, multiple submitters, no conflicts (2 of 4 stars). 2 submissions from 2 submitters: Uncertain significance (2). Last evaluated 2022-01-04.

Conditions:
DICER1-related tumor predisposition. Also called: DICER1-related pleuropulmonary blastoma cancer predisposition syndrome; DICER1 syndrome. Identifiers: Orphanet 284343, MedGen C3839822, MONDO:0100216.
Hereditary cancer-predisposing syndrome. Also called: Tumor predisposition; Neoplastic Syndromes, Hereditary; Hereditary Cancer Syndrome; Hereditary neoplastic syndrome. Identifiers: Orphanet 140162, MedGen C0027672, MeSH D009386, MONDO:0015356.

Submissions (2):

Ambry Genetics
Classification: Uncertain significance for Hereditary cancer-predisposing syndrome. Last evaluated: 2022-01-04. Review status: criteria provided, single submitter. Criteria: Ambry Variant Classification Scheme 2023. Collection method: clinical testing. Allele origin: germline.
Comment: The p.H58D variant (also known as c.172C>G), located in coding exon 2 of the DICER1 gene, results from a C to G substitution at nucleotide position 172. The histidine at codon 58 is replaced by aspartic acid, an amino acid with similar properties. This amino acid position is conserved. In addition, the in silico prediction for this alteration is inconclusive. Since supporting evidence is limited at this time, the clinical significance of this alteration remains unclear.

Labcorp Genetics (formerly Invitae), Labcorp
Classification: Uncertain significance for DICER1-related tumor predisposition. Last evaluated: 2020-01-21. Review status: criteria provided, single submitter. Criteria: Invitae Variant Classification Sherloc (09022015). Collection method: clinical testing. Allele origin: germline.
Comment: In summary, this variant is a novel missense change with uncertain impact on protein function. It has been classified as a Variant of Uncertain Significance. Algorithms developed to predict the effect of missense changes on protein structure and function do not agree on the potential impact of this missense change (SIFT: "Deleterious"; PolyPhen-2: "Benign"; Align-GVGD: "Class C25"). This variant is not present in population databases (ExAC no frequency) and has not been reported in the literature in individuals with a DICER1-related disease. This sequence change replaces histidine with aspartic acid at codon 58 of the DICER1 protein (p.His58Asp). The histidine residue is highly conserved and there is a moderate physicochemical difference between histidine and aspartic acid.